The following is an entry in ClinVar:

NM_020338.4(ZMIZ1):c.409C>T (p.Pro137Ser)

Gene: ZMIZ1 (zinc finger MIZ-type containing 1; plus strand). Cytogenetic location: 10q22.3.
Variant type: single nucleotide variant.
Coding change: c.409C>T on transcript NM_020338.4 (MANE Select); coding-DNA position 409, C replaced by T.
Protein change: p.Pro137Ser; replaces proline 137 with serine.
Molecular consequence: missense variant.
Genome position (GRCh38, 1-based): chr10:79,277,309, C>T. VCF-style: chr10-79277309-C-T. GRCh37 (hg19) VCF-style: chr10-81037066-C-T.
Other names: short protein forms P137S.
Identifiers: ClinVar variation 2506619 (VCV002506619.1), dbSNP rs1852360719, ClinGen allele CA377415720.

ClinVar aggregate classification (germline): Uncertain significance (1 of 4 stars; one submission).

gnomAD v4.1: 3 of 1,599,076 alleles (0.00019%); highest among the groups gnomAD compares: Non-Finnish European, 0.00026%; no homozygotes.

Submission:

GeneDx
Classification: Uncertain significance. Last evaluated: 2022-12-20. Review status: criteria provided, single submitter. Criteria: GeneDx Variant Classification Process June 2021. Collection method: clinical testing. Allele origin: germline. Affected: yes.
Comment: Not observed at significant frequency in large population cohorts (gnomAD); In silico analysis supports that this missense variant has a deleterious effect on protein structure/function; Has not been previously published as pathogenic or benign to our knowledge